The following is an entry in ClinVar:

ClinVar aggregate classification (germline): Pathogenic (1 of 4 stars; one submission).

Allele frequency attached by ClinVar (database versions not stated): gnomAD exomes below 0.00001; TOPMed below 0.00001; ExAC 0.00001; gnomAD 0.00001.
gnomAD v4.1: 8 of 1,614,110 alleles (0.0005%); highest among the groups gnomAD compares: Non-Finnish European, 0.00059%; no homozygotes.

Submission:

Labcorp Genetics (formerly Invitae), Labcorp
Classification: Pathogenic. Last evaluated: 2022-10-04. Review status: criteria provided, single submitter. Criteria: Invitae Variant Classification Sherloc (09022015). Collection method: clinical testing. Allele origin: germline.
Comment: This variant is present in population databases (rs750058898, gnomAD 0.0009%). For these reasons, this variant has been classified as Pathogenic. This variant has not been reported in the literature in individuals affected with DNAH9-related conditions. This sequence change creates a premature translational stop signal (p.Lys4244*) in the DNAH9 gene. It is expected to result in an absent or disrupted protein product. Loss-of-function variants in DNAH9 are known to be pathogenic (PMID: 30471718).

Literature cited by the submitters: PubMed 30471718.

NM_001372.4(DNAH9):c.12730A>T (p.Lys4244Ter)

Gene: DNAH9 (dynein axonemal heavy chain 9; plus strand). Cytogenetic location: 17p12.
Variant type: single nucleotide variant.
Coding change: c.12730A>T on transcript NM_001372.4 (MANE Select); coding-DNA position 12730, A replaced by T.
Protein change: p.Lys4244Ter; replaces lysine 4244 with a stop codon.
Molecular consequence: nonsense.
Genome position (GRCh38, 1-based): chr17:11,942,372, A>T. VCF-style: chr17-11942372-A-T. GRCh37 (hg19) VCF-style: chr17-11845689-A-T.
Other names: c.1666A>T, p.Lys556Ter (NM_004662.2); short protein forms K4244*, K556*.
Identifiers: ClinVar variation 2034074 (VCV002034074.4), dbSNP rs750058898, ClinGen allele CA8398241.